The following is an entry in ClinVar:

ClinVar aggregate classification (germline): Uncertain significance. Review status: criteria provided, single submitter (1 of 4 stars). 2 submissions from 1 submitter: Uncertain significance (2). Last evaluated 2021-08-31.

Conditions:
Visceral heterotaxy. Also called: Heterotaxy syndrome; Heterotaxia. Identifiers: Orphanet 450, MedGen C3178805, MONDO:0018677.
Progressive myoclonic epilepsy type 8. Identifiers: Orphanet 424027, MedGen C5190825, MONDO:0014545, OMIM 616230.

Submissions (2):

Labcorp Genetics (formerly Invitae), Labcorp
Classification: Uncertain significance for Progressive myoclonic epilepsy type 8. Last evaluated: 2021-08-31. Review status: criteria provided, single submitter. Criteria: Invitae Variant Classification Sherloc (09022015). Collection method: clinical testing. Allele origin: germline.

Labcorp Genetics (formerly Invitae), Labcorp
Classification: Uncertain significance for Visceral heterotaxy. Last evaluated: 2017-07-21. Review status: criteria provided, single submitter. Criteria: Invitae Variant Classification Sherloc (09022015). Collection method: clinical testing. Allele origin: germline.
Comment: This sequence change deletes 3 nucleotides from exon 8 of the GDF1 mRNA (c.1047_1049delCTT). This leads to the deletion of 1 amino acid residue in the GDF1 protein (p.Phe350del) but otherwise preserves the integrity of the reading frame. This variant is not present in population databases (ExAC no frequency) and has not been reported in the literature in individuals with a GDF1-related disease. Experimental studies and prediction algorithms are not available for this variant, and the functional significance of the deleted amino acid is currently unknown. In summary, this is a rare in-frame deletion with uncertain impact on protein function. It has been classified as a Variant of Uncertain Significance.

NM_001492.6(GDF1):c.1044CTT[1] (p.Phe350del)

Genes: GDF1 (growth differentiation factor 1; minus strand), CERS1 (ceramide synthase 1; minus strand). Cytogenetic location: 19p13.11.
Variant type: Microsatellite.
Coding change: c.1044CTT[1] on transcript NM_001492.6 (MANE Select); one copy of the 3-base unit CTT starting at c.1044; the reference has two copies in a row; one copy, 3 bases deleted.
Protein change: p.Phe350del; deletes phenylalanine 350.
Molecular consequence: inframe deletion. On other transcripts: 3 prime UTR variant (2).
Genome position (GRCh38, 1-based): chr19:18,868,667-18,868,669, AAG deleted on the plus strand (CTT on the coding strand, the reverse complement: GDF1 is on the minus strand); deleting any 3 consecutive bases within chr19:18,868,667-18,868,673 gives the same sequence; the position shown is the placement nearest the transcript's 3' end. VCF-style (leftmost placement, unchanged base first): chr19-18868666-AAAG-A. GRCh37 (hg19) VCF-style: chr19-18979475-AAAG-A.
Other names: c.*1905CTT[1] (NM_001387440.1); c.*1313CTT[1] (NM_021267.5); c.1044CTT[1], p.Phe350del (NM_001387438.1); short protein forms F350del.
Identifiers: ClinVar variation 471935 (VCV000471935.5), dbSNP rs1232905914, ClinGen allele CA632627111.